The following is an entry in ClinVar:

NM_014244.5(ADAMTS2):c.3020A>T (p.Asp1007Val)

Gene: ADAMTS2 (ADAM metallopeptidase with thrombospondin type 1 motif 2; minus strand). Cytogenetic location: 5q35.3.
Variant type: single nucleotide variant.
Coding change: c.3020A>T on transcript NM_014244.5 (MANE Select); coding-DNA position 3020, A replaced by T.
Protein change: p.Asp1007Val; replaces aspartic acid 1007 with valine.
Molecular consequence: missense variant.
Genome position (GRCh38, 1-based): chr5:179,122,712, T>A on the plus strand (A>T on the coding strand, the complement: ADAMTS2 is on the minus strand). VCF-style: chr5-179122712-T-A. GRCh37 (hg19) VCF-style: chr5-178549713-T-A.
Other names: short protein forms D1007V.
Identifiers: ClinVar variation 5003500 (VCV005003500.1).

ClinVar aggregate classification (germline): Uncertain significance (1 of 4 stars; one submission).

Conditions:
Ehlers-Danlos syndrome, dermatosparaxis type. Also called: Ehlers-Danlos syndrome, type VII, autosomal recessive; Dermatosparaxis; EDS VIIC. Identifiers: Orphanet 1901, MedGen C2700425, MONDO:0009161, OMIM 225410.

gnomAD v4.1: 10 of 1,551,934 alleles (0.00064%); highest among the groups gnomAD compares: East Asian, 0.022%; no homozygotes.

Submission:

Myriad Genetics, Inc.
Classification: Uncertain significance for Ehlers-Danlos syndrome, dermatosparaxis type. Last evaluated: 2026-07-16. Review status: criteria provided, single submitter. Criteria: Myriad Autosomal Dominant, Autosomal Recessive and X-Linked Classification Criteria (2023). Collection method: clinical testing. Allele origin: unknown.
Comment: NM_014244.4(ADAMTS2):c.3020A>T(D1007V) is a missense variant classified as a variant of uncertain significance in the context of Ehlers-Danlos syndrome, ADAMTS2-related. D1007V has not been observed in cases with relevant disease. Relevant functional assessments of this variant are not available in the literature. D1007V has been observed in referenced population frequency databases. In summary, there is insufficient evidence to classify NM_014244.4(ADAMTS2):c.3020A>T(D1007V) as pathogenic or benign. Please note: this variant was assessed in the context of healthy population screening.